The following is an entry in ClinVar:

NM_004130.4(GYG1):c.490C>T (p.Gln164Ter)

Gene: GYG1 (glycogenin 1; plus strand). Cytogenetic location: 3q24.
Variant type: single nucleotide variant.
Coding change: c.490C>T on transcript NM_004130.4 (MANE Select); coding-DNA position 490, C replaced by T.
Protein change: p.Gln164Ter; replaces glutamine 164 with a stop codon.
Molecular consequence: nonsense.
Genome position (GRCh38, 1-based): chr3:149,009,284, C>T. VCF-style: chr3-149009284-C-T. GRCh37 (hg19) VCF-style: chr3-148727071-C-T.
Other names: c.490C>T, p.Gln164Ter (NM_001184720.2, NM_001184721.2); short protein forms Q164*.
Identifiers: ClinVar variation 2953065 (VCV002953065.3), dbSNP rs2472732399, ClinGen allele CA354904927.

ClinVar aggregate classification (germline): Pathogenic (1 of 4 stars; one submission).

Conditions:
Polyglucosan body myopathy type 2. Identifiers: Orphanet 456369, MedGen C4015452, MONDO:0014526, OMIM 616199.
Glycogen storage disease XV (GSD15). Also called: GLYCOGENIN DEFICIENCY; GSD XV. Identifiers: Orphanet 263297, MedGen C3150754, MONDO:0013291, OMIM 613507.

Allele frequency attached by ClinVar (database versions not stated): gnomAD exomes below 0.00001.
gnomAD v4.1: 5 of 1,611,880 alleles (0.00031%); highest among the groups gnomAD compares: Non-Finnish European, 0.00042%; no homozygotes.

Submission:

Labcorp Genetics (formerly Invitae), Labcorp
Classification: Pathogenic for Polyglucosan body myopathy type 2; Glycogen storage disease XV. Last evaluated: 2023-10-18. Review status: criteria provided, single submitter. Criteria: Invitae Variant Classification Sherloc (09022015). Collection method: clinical testing. Allele origin: germline.
Comment: This sequence change creates a premature translational stop signal (p.Gln164*) in the GYG1 gene. It is expected to result in an absent or disrupted protein product. Loss-of-function variants in GYG1 are known to be pathogenic (PMID: 20357282, 25272951). This variant is not present in population databases (gnomAD no frequency). This variant has not been reported in the literature in individuals affected with GYG1-related conditions. For these reasons, this variant has been classified as Pathogenic.

Literature cited by the submitters: PubMed 20357282; PubMed 25272951.